The following is an entry in ClinVar:

ClinVar aggregate classification (germline): Uncertain significance (1 of 4 stars; one submission).

Conditions:
Congenital myasthenic syndrome 2A. Also called: Myasthenic syndrome, congenital, 2a, slow-channel. Identifiers: Orphanet 590, MedGen C4225374, MONDO:0014581, OMIM 616313.

Submission:

Labcorp Genetics (formerly Invitae), Labcorp
Classification: Uncertain significance for Congenital myasthenic syndrome 2A. Last evaluated: 2025-06-12. Review status: criteria provided, single submitter. Criteria: Invitae Variant Classification Sherloc (09022015). Collection method: clinical testing. Allele origin: germline.
Comment: This sequence change replaces arginine, which is basic and polar, with histidine, which is basic and polar, at codon 469 of the CHRNB1 protein (p.Arg469His). This variant is not present in population databases (gnomAD no frequency). This variant has not been reported in the literature in individuals affected with CHRNB1-related conditions. ClinVar contains an entry for this variant (Variation ID: 1391956). Invitae Evidence Modeling of protein sequence and biophysical properties (such as structural, functional, and spatial information, amino acid conservation, physicochemical variation, residue mobility, and thermodynamic stability) has been performed for this missense variant. However, the output from this modeling did not meet the statistical confidence thresholds required to predict the impact of this variant on CHRNB1 protein function. In summary, the available evidence is currently insufficient to determine the role of this variant in disease. Therefore, it has been classified as a Variant of Uncertain Significance.

NM_000747.3(CHRNB1):c.1406G>A (p.Arg469His)

Gene: CHRNB1 (cholinergic receptor nicotinic beta 1 subunit; plus strand). Cytogenetic location: 17p13.1.
Variant type: single nucleotide variant.
Coding change: c.1406G>A on transcript NM_000747.3 (MANE Select); coding-DNA position 1406, G replaced by A.
Protein change: p.Arg469His; replaces arginine 469 with histidine.
Molecular consequence: missense variant.
Genome position (GRCh38, 1-based): chr17:7,456,623, G>A. VCF-style: chr17-7456623-G-A. GRCh37 (hg19) VCF-style: chr17-7359942-G-A.
Other names: short protein forms R469H.
Identifiers: ClinVar variation 1391956 (VCV001391956.8), dbSNP rs762250406, ClinGen allele CA397803035.